The following is an entry in ClinVar:

ClinVar aggregate classification (germline): Uncertain significance (1 of 4 stars; one submission).

Submission:

GeneDx
Classification: Uncertain significance. Last evaluated: 2025-07-24. Review status: criteria provided, single submitter. Criteria: GeneDx Variant Classification Process June 2021. Collection method: clinical testing. Allele origin: germline. Affected: yes.
Comment: Not observed at significant frequency in large population cohorts (gnomAD); In silico analysis supports that this missense variant has a deleterious effect on protein structure/function; Has not been previously published as pathogenic or benign to our knowledge; Reported using an alternate transcript of the gene

NM_016592.5(GNAS):c.483G>C (p.Gln161His)

Genes: GNAS (GNAS complex locus; plus strand), GNAS-AS1 (GNAS antisense RNA 1; minus strand). Cytogenetic location: 20q13.32.
Variant type: single nucleotide variant.
Coding change: c.483G>C on transcript NM_016592.5 (MANE Plus Clinical); coding-DNA position 483, G replaced by C.
Protein change: p.Gln161His; replaces glutamine 161 with histidine.
Molecular consequence: missense variant. On other transcripts: 5 prime UTR variant (1).
Genome position (GRCh38, 1-based): chr20:58,840,589, G>C. VCF-style: chr20-58840589-G-C. GRCh37 (hg19) VCF-style: chr20-57415644-G-C.
Other names: c.-255G>C (NM_001410912.1); short protein forms Q161H.
Identifiers: ClinVar variation 4686980 (VCV004686980.1).